The following is an entry in ClinVar:

NM_005535.3(IL12RB1):c.1723C>T (p.Arg575Trp)

Gene: IL12RB1 (interleukin 12 receptor subunit beta 1; minus strand). Cytogenetic location: 19p13.11.
Variant type: single nucleotide variant.
Coding change: c.1723C>T on transcript NM_005535.3 (MANE Select); coding-DNA position 1723, C replaced by T.
Protein change: p.Arg575Trp; replaces arginine 575 with tryptophan.
Molecular consequence: missense variant.
Genome position (GRCh38, 1-based): chr19:18,061,190, G>A on the plus strand (C>T on the coding strand, the complement: IL12RB1 is on the minus strand). VCF-style: chr19-18061190-G-A. GRCh37 (hg19) VCF-style: chr19-18172000-G-A.
Other names: c.1723C>T, p.Arg575Trp (NM_001290023.2); c.1843C>T, p.Arg615Trp (NM_001290024.2); short protein forms R575W, R615W.
Identifiers: ClinVar variation 959092 (VCV000959092.7), dbSNP rs1242786208, ClinGen allele CA404775800.

ClinVar aggregate classification (germline): Uncertain significance (1 of 4 stars; one submission).

Conditions:
Mendelian susceptibility to mycobacterial diseases due to complete IL12RB1 deficiency. Also called: IL12RB1 DEFICIENCY; Immunodeficiency 30. Identifiers: Orphanet 319552, MedGen C4013949, MONDO:0013955, OMIM 614891.

Allele frequency attached by ClinVar (database versions not stated): TOPMed 0.00002; gnomAD 0.00001 and 0.00003; gnomAD exomes 0.00004.
gnomAD v4.1: 34 of 1,572,244 alleles (0.0022%); highest among the groups gnomAD compares: Admixed American, 0.014%; no homozygotes.

Submission:

Labcorp Genetics (formerly Invitae), Labcorp
Classification: Uncertain significance for Mendelian susceptibility to mycobacterial diseases due to complete IL12RB1 deficiency. Last evaluated: 2021-09-01. Review status: criteria provided, single submitter. Criteria: Invitae Variant Classification Sherloc (09022015). Collection method: clinical testing. Allele origin: germline.
Comment: This sequence change replaces arginine with tryptophan at codon 575 of the IL12RB1 protein (p.Arg575Trp). The arginine residue is moderately conserved and there is a moderate physicochemical difference between arginine and tryptophan. This variant is not present in population databases (ExAC no frequency). This variant has not been reported in the literature in individuals affected with IL12RB1-related conditions. Algorithms developed to predict the effect of missense changes on protein structure and function output the following: SIFT: "Tolerated"; PolyPhen-2: "Benign"; Align-GVGD: "Class C0". The tryptophan amino acid residue is found in multiple mammalian species, which suggests that this missense change does not adversely affect protein function. In summary, the available evidence is currently insufficient to determine the role of this variant in disease. Therefore, it has been classified as a Variant of Uncertain Significance.